The following is an entry in ClinVar:

NM_000168.6(GLI3):c.2081C>T (p.Thr694Ile)

Gene: GLI3 (GLI family zinc finger 3; minus strand). Cytogenetic location: 7p14.1.
Variant type: single nucleotide variant.
Coding change: c.2081C>T on transcript NM_000168.6 (MANE Select); coding-DNA position 2081, C replaced by T.
Protein change: p.Thr694Ile; replaces threonine 694 with isoleucine.
Molecular consequence: missense variant.
Genome position (GRCh38, 1-based): chr7:41,972,359, G>A on the plus strand (C>T on the coding strand, the complement: GLI3 is on the minus strand). VCF-style: chr7-41972359-G-A. GRCh37 (hg19) VCF-style: chr7-42011958-G-A.
Other names: short protein forms T694I.
Identifiers: ClinVar variation 3600981 (VCV003600981.1).

ClinVar aggregate classification (germline): Uncertain significance (1 of 4 stars; one submission).

Submission:

GeneDx
Classification: Uncertain significance. Last evaluated: 2024-07-23. Review status: criteria provided, single submitter. Criteria: GeneDx Variant Classification Process June 2021. Collection method: clinical testing. Allele origin: germline. Affected: yes.
Comment: Not observed at significant frequency in large population cohorts (gnomAD); In silico analysis supports that this missense variant has a deleterious effect on protein structure/function; Has not been previously published as pathogenic or benign to our knowledge